The following is an entry in ClinVar:

NM_001244008.2(KIF1A):c.1858G>A (p.Glu620Lys)

Gene: KIF1A (kinesin family member 1A; minus strand). Cytogenetic location: 2q37.3.
Variant type: single nucleotide variant.
Coding change: c.1858G>A on transcript NM_001244008.2 (MANE Select); coding-DNA position 1858, G replaced by A.
Protein change: p.Glu620Lys; replaces glutamic acid 620 with lysine.
Molecular consequence: missense variant.
Genome position (GRCh38, 1-based): chr2:240,763,257, C>T on the plus strand (G>A on the coding strand, the complement: KIF1A is on the minus strand). VCF-style: chr2-240763257-C-T. GRCh37 (hg19) VCF-style: chr2-241702674-C-T.
Other names: c.1858G>A, p.Glu620Lys (NM_001320705.2, NM_001330289.2, NM_001379638.1); c.1933G>A, p.Glu645Lys (NM_001330290.2, NM_001379631.1, NM_001379634.1 and 2 more transcripts); c.1831G>A, p.Glu611Lys (NM_001379632.1, NM_001379633.1, NM_001379636.1 and 10 more transcripts); c.1906G>A, p.Glu636Lys (NM_001379637.1, NM_001379648.1); short protein forms E611K, E620K, E636K, E645K.
Identifiers: ClinVar variation 1061508 (VCV001061508.8), dbSNP rs2125905821, ClinGen allele CA351327130.

ClinVar aggregate classification (germline): Uncertain significance. Review status: criteria provided, multiple submitters, no conflicts (2 of 4 stars). 2 submissions from 2 submitters: Uncertain significance (2). Last evaluated 2022-11-11.

Conditions:
Neuropathy, hereditary sensory, type 2C. Also called: KIF1A-Related HSAN2 (HSAN2C); Hereditary sensory and autonomic neuropathy type IIC. Identifiers: Orphanet 970, MedGen C3280168, MONDO:0013634, OMIM 614213.
Intellectual disability, autosomal dominant 9 (NESCAVS). Also called: NESCAV SYNDROME; KIF1A-Related Neurodevelopmental Disorder. Identifiers: Orphanet 662367, MedGen C5393830, MONDO:0013656, OMIM 614255.
Hereditary spastic paraplegia 30. Identifiers: Orphanet 101010, MedGen C5235139, MONDO:0012476.

Submissions (2):

Blueprint Genetics
Classification: Uncertain significance. Last evaluated: 2022-11-11. Review status: criteria provided, single submitter. Criteria: ACMG Guidelines, 2015. Collection method: clinical testing. Allele origin: germline.

Labcorp Genetics (formerly Invitae), Labcorp
Classification: Uncertain significance for Hereditary spastic paraplegia 30; Neuropathy, hereditary sensory, type 2C; Intellectual disability, autosomal dominant 9. Last evaluated: 2022-02-22. Review status: criteria provided, single submitter. Criteria: Invitae Variant Classification Sherloc (09022015). Collection method: clinical testing. Allele origin: germline.
Comment: In summary, the available evidence is currently insufficient to determine the role of this variant in disease. Therefore, it has been classified as a Variant of Uncertain Significance. Algorithms developed to predict the effect of missense changes on protein structure and function (SIFT, PolyPhen-2, Align-GVGD) all suggest that this variant is likely to be tolerated. ClinVar contains an entry for this variant (Variation ID: 1061508). This variant has not been reported in the literature in individuals affected with KIF1A-related conditions. This variant is not present in population databases (gnomAD no frequency). This sequence change replaces glutamic acid, which is acidic and polar, with lysine, which is basic and polar, at codon 611 of the KIF1A protein (p.Glu611Lys).